The following is an entry in ClinVar:

ClinVar aggregate classification (germline): Uncertain significance (1 of 4 stars; one submission).

Conditions:
TGFB3-related disorder. Also called: TGFB3-related condition.

Submission:

PreventionGenetics, part of Exact Sciences
Classification: Uncertain significance for TGFB3-related condition. Last evaluated: 2023-09-13. Review status: criteria provided, single submitter. Criteria: ACMG Guidelines, 2015. Collection method: clinical testing. Allele origin: germline.
Comment: The TGFB3 c.1191A>T variant is predicted to result in the amino acid substitution p.Lys397Asn. To our knowledge, this variant has not been reported in the literature or in a large population database, indicating this variant is rare. At this time, the clinical significance of this variant is uncertain due to the absence of conclusive functional and genetic evidence.

NM_003239.5(TGFB3):c.1191A>T (p.Lys397Asn)

Gene: TGFB3 (transforming growth factor beta 3; minus strand). Cytogenetic location: 14q24.3.
Variant type: single nucleotide variant.
Coding change: c.1191A>T on transcript NM_003239.5 (MANE Select); coding-DNA position 1191, A replaced by T.
Protein change: p.Lys397Asn; replaces lysine 397 with asparagine.
Molecular consequence: missense variant.
Genome position (GRCh38, 1-based): chr14:75,959,235, T>A on the plus strand (A>T on the coding strand, the complement: TGFB3 is on the minus strand). VCF-style: chr14-75959235-T-A. GRCh37 (hg19) VCF-style: chr14-76425578-T-A.
Other names: c.1191A>T, p.Lys397Asn (NM_001329939.2); short protein forms K397N.
Identifiers: ClinVar variation 2630779 (VCV002630779.1), dbSNP rs2504093536, ClinGen allele CA390466795.